The following is an entry in ClinVar:

ClinVar aggregate classification (germline): Uncertain significance. Review status: criteria provided, multiple submitters, no conflicts (2 of 4 stars). 3 submissions from 3 submitters: Uncertain significance (3). Last evaluated 2022-05-04.

Conditions:
Cardiovascular phenotype. Identifiers: MedGen CN230736.
Autosomal recessive limb-girdle muscular dystrophy type 2J (LGMDR10). Also called: MUSCULAR DYSTROPHY, LIMB-GIRDLE, AUTOSOMAL RECESSIVE 10; Limb-girdle muscular dystrophy, type 2J. Identifiers: Orphanet 140922, MedGen C1837342, MONDO:0012127, OMIM 608807.
Hypertrophic cardiomyopathy 9. Also called: Familial hypertrophic cardiomyopathy 9. Identifiers: MedGen C1861065, MONDO:0013412, OMIM 613765.
Tibial muscular dystrophy (TMD). Also called: Udd Distal Myopathy – Tibial Muscular Dystrophy; Tibial muscular dystrophy, tardive; UDD MYOPATHY. Identifiers: Orphanet 609, MedGen C1838244, MONDO:0010870, OMIM 600334.
Dilated cardiomyopathy 1G (CMD1G). Identifiers: Orphanet 154, MedGen C1858763, MONDO:0011400, OMIM 604145.
Early-onset myopathy with fatal cardiomyopathy (CMYO5). Also called: Salih Myopathy; CONGENITAL MYOPATHY 5 WITH CARDIOMYOPATHY. Identifiers: Orphanet 289377, MedGen C2673677, MONDO:0012714, OMIM 611705. Disease mechanism: loss of function.
Myopathy, myofibrillar, 9, with early respiratory failure (MFM9). Also called: MYOPATHY, PROXIMAL, WITH EARLY RESPIRATORY MUSCLE INVOLVEMENT; Myopathy, distal, with early respiratory failure, autosomal dominant; Hereditary myopathy with early respiratory failure; EDSTROM MYOPATHY. Identifiers: Orphanet 178464, Orphanet 34521, MedGen C1863599, MONDO:0011362, OMIM 603689.

Allele frequency attached by ClinVar (database versions not stated): gnomAD exomes below 0.00001; ExAC 0.00001; gnomAD 0.00001; TOPMed 0.00001.

Submissions (3):

Laboratory for Molecular Medicine, Mass General Brigham Personalized Medicine
Classification: Uncertain significance. Last evaluated: 2022-05-04. Review status: criteria provided, single submitter. Criteria: ACMG Guidelines, 2015. Collection method: clinical testing. Allele origin: germline.
Comment: The c.47566-3T>C variant in TTN has not been previously reported in individuals with cardiomyopathy but has been identified in 0.0008% (1/111878) of European chromosomes by gnomAD. This variant is located in the 3' splice region, but computational tools do not suggest an impact to splicing. However, this information is not predictive enough to rule out pathogenicity. In summary, while the clinical significance of the c.47566-3T>C variant is uncertain, these data suggest that it is more likely to be benign. ACMG/AMP Criteria applied: PM2_Supporting, BP4.

Fulgent Genetics
Classification: Uncertain significance for Tibial muscular dystrophy; Myopathy, myofibrillar, 9, with early respiratory failure; Dilated cardiomyopathy 1G; Autosomal recessive limb-girdle muscular dystrophy type 2J; Early-onset myopathy with fatal cardiomyopathy; Hypertrophic cardiomyopathy 9. Last evaluated: 2021-10-16. Review status: criteria provided, single submitter. Criteria: ACMG Guidelines, 2015. Collection method: clinical testing. Allele origin: unknown.

Ambry Genetics
Classification: Uncertain significance for Cardiovascular phenotype. Last evaluated: 2019-12-27. Review status: criteria provided, single submitter. Criteria: Ambry Variant Classification Scheme 2023. Collection method: clinical testing. Allele origin: germline.
Comment: The c.28075-3T>C intronic variant results from a T to C substitution 3 nucleotides upstream from coding exon 112 in the TTN gene. This nucleotide position is not well conserved in available vertebrate species. Using the BDGP and ESEfinder splice site prediction tools, this alteration is not predicted to have any significant effect on this splice acceptor site; however, direct evidence is unavailable. Since supporting evidence is limited at this time, the clinical significance of this alteration remains unclear.

NM_001267550.2(TTN):c.55270-3T>C

Genes: TTN (titin; minus strand), TTN-AS1 (TTN antisense RNA 1; plus strand). Cytogenetic location: 2q31.2.
Variant type: single nucleotide variant.
Coding change: c.55270-3T>C on transcript NM_001267550.2 (MANE Select); 3 bases into the intron before coding-DNA position 55270, T replaced by C.
Molecular consequence: intron variant.
Genome position (GRCh38, 1-based): chr2:178,601,917, A>G on the plus strand (T>C on the coding strand, the complement: TTN is on the minus strand). VCF-style: chr2-178601917-A-G. GRCh37 (hg19) VCF-style: chr2-179466644-A-G.
Other names: c.28075-3T>C (NM_003319.4); c.28651-3T>C (NM_133437.4); c.28450-3T>C (NM_133432.3); c.47566-3T>C (NM_133378.4); c.50347-3T>C (NM_001256850.1).
Identifiers: ClinVar variation 506245 (VCV000506245.9), dbSNP rs749109513, ClinGen allele CA1993496.